The following is an entry in ClinVar:

ClinVar aggregate classification (germline): Uncertain significance (1 of 4 stars; one submission).

Conditions:
Familial adenomatous polyposis 1 (FAP1). Also called: POLYPOSIS, ADENOMATOUS INTESTINAL; FAMILIAL ADENOMATOUS POLYPOSIS 1, ATTENUATED. Identifiers: MedGen C2713442, MONDO:0021056, OMIM 175100. Disease mechanism: loss of function.

gnomAD v4.1: 1 of 537,800 alleles (0.00019%); no homozygotes.

Submission:

Labcorp Genetics (formerly Invitae), Labcorp
Classification: Uncertain significance for Familial adenomatous polyposis 1. Last evaluated: 2025-04-23. Review status: criteria provided, single submitter. Criteria: Invitae Variant Classification Sherloc (09022015). Collection method: clinical testing. Allele origin: germline.
Comment: This variant occurs in a non-coding region of the APC gene. It does not change the encoded amino acid sequence of the APC protein. This variant is not present in population databases (gnomAD no frequency). This variant has not been reported in the literature in individuals affected with APC-related conditions. Experimental studies and prediction algorithms are not available or were not evaluated, and the functional significance of this variant is currently unknown. In summary, the available evidence is currently insufficient to determine the role of this variant in disease. Therefore, it has been classified as a Variant of Uncertain Significance.

NM_001127511.3(APC):c.-174C>G

Gene: APC (APC regulator of Wnt signaling pathway; plus strand). Cytogenetic location: 5q22.2.
Variant type: single nucleotide variant.
Coding change: c.-174C>G on transcript NM_001127511.3; 174 bases upstream of the start codon, C replaced by G.
Molecular consequence: 5 prime UTR variant. On other transcripts: non-coding transcript variant (2).
Genome position (GRCh38, 1-based): chr5:112,707,544, C>G. VCF-style: chr5-112707544-C-G. GRCh37 (hg19) VCF-style: chr5-112043241-C-G.
Other names: c.-357C>G (NM_001407469.1, NM_001354895.2, NM_001407447.1 and 3 more transcripts); c.-1392C>G (NM_001407470.1, NM_001407472.1); c.-174C>G (NM_001354897.2, NM_001354902.2, NM_001407446.1); c.-124C>G (NM_001407448.1, NM_001407450.1, NM_001407457.1 and 1 more transcripts); c.-148C>G (NM_001407453.1).
Identifiers: ClinVar variation 4702836 (VCV004702836.1).
Genomic context (GRCh38, chr5:112,707,544, plus strand): 5'-CCTCTCACGCATGCGCATTGTAGTCTTCCCACCTCCCACAAGATGGCGGAGGGCAAGTAG[C>G]AAGGGGGCGGGGTGTGGCCGCCGGAAGCCTAGCCGCTGCTCGGGGGGGACCTGCGGGCTC-3'